The following is an entry in ClinVar:

NM_000219.6(KCNE1):c.280T>G (p.Tyr94Asp)

Gene: KCNE1 (potassium voltage-gated channel subfamily E regulatory subunit 1; minus strand). Cytogenetic location: 21q22.12.
Variant type: single nucleotide variant.
Coding change: c.280T>G on transcript NM_000219.6 (MANE Select); coding-DNA position 280, T replaced by G.
Protein change: p.Tyr94Asp; replaces tyrosine 94 with aspartic acid.
Molecular consequence: missense variant.
Genome position (GRCh38, 1-based): chr21:34,449,355, A>C on the plus strand (T>G on the coding strand, the complement: KCNE1 is on the minus strand). VCF-style: chr21-34449355-A-C. GRCh37 (hg19) VCF-style: chr21-35821653-A-C.
Other names: c.280T>G, p.Tyr94Asp (NM_001127668.4, NM_001127669.4, NM_001127670.4 and 4 more transcripts); short protein forms Y94D.
Identifiers: ClinVar variation 3374520 (VCV003374520.2).

Conditions:
Long QT syndrome 5 (LQT5). Identifiers: Orphanet 101016, Orphanet 768, MedGen C1867904, MONDO:0013372, OMIM 613695.

Submission:

Roden Lab, Vanderbilt University Medical Center
No classification provided (evidence only). Condition: Long QT syndrome 5. Review status: no classification provided. Collection method: in vitro. Allele origin: not applicable. Functional consequence: Effect on ion channel function.
ClinVar note: "not provided" was previously submitted as the classification for the variant. However, the classification appeared to be based only on an observation of functional data so it was converted to no classification on 2025-07-30.